The following is an entry in ClinVar:

NM_004946.3(DOCK2):c.4567C>T (p.Pro1523Ser)

Gene: DOCK2 (dedicator of cytokinesis 2; plus strand). Cytogenetic location: 5q35.1.
Variant type: single nucleotide variant.
Coding change: c.4567C>T on transcript NM_004946.3 (MANE Select); coding-DNA position 4567, C replaced by T.
Protein change: p.Pro1523Ser; replaces proline 1523 with serine.
Molecular consequence: missense variant. On other transcripts: non-coding transcript variant (1).
Genome position (GRCh38, 1-based): chr5:170,067,609, C>T. VCF-style: chr5-170067609-C-T. GRCh37 (hg19) VCF-style: chr5-169494613-C-T.
Other names: short protein forms P1523S.
Identifiers: ClinVar variation 1981265 (VCV001981265.4), dbSNP rs2532496942, ClinGen allele CA362112608.

ClinVar aggregate classification (germline): Uncertain significance (1 of 4 stars; one submission).

Conditions:
DOCK2 deficiency. Also called: Immunodeficiency 40. Identifiers: Orphanet 447737, MedGen C4225328, MONDO:0014637, OMIM 616433.

Submission:

Labcorp Genetics (formerly Invitae), Labcorp
Classification: Uncertain significance for DOCK2 deficiency. Last evaluated: 2022-05-27. Review status: criteria provided, single submitter. Criteria: Invitae Variant Classification Sherloc (09022015). Collection method: clinical testing. Allele origin: germline.
Comment: Algorithms developed to predict the effect of missense changes on protein structure and function (SIFT, PolyPhen-2, Align-GVGD) all suggest that this variant is likely to be tolerated. This variant has not been reported in the literature in individuals affected with DOCK2-related conditions. This variant is not present in population databases (gnomAD no frequency). This sequence change replaces proline, which is neutral and non-polar, with serine, which is neutral and polar, at codon 1523 of the DOCK2 protein (p.Pro1523Ser). In summary, the available evidence is currently insufficient to determine the role of this variant in disease. Therefore, it has been classified as a Variant of Uncertain Significance.